The following is an entry in ClinVar:

NM_002863.5(PYGL):c.1072G>A (p.Glu358Lys)

Gene: PYGL (glycogen phosphorylase L; minus strand). Cytogenetic location: 14q22.1.
Variant type: single nucleotide variant.
Coding change: c.1072G>A on transcript NM_002863.5 (MANE Select); coding-DNA position 1072, G replaced by A.
Protein change: p.Glu358Lys; replaces glutamic acid 358 with lysine.
Molecular consequence: missense variant.
Genome position (GRCh38, 1-based): chr14:50,916,662, C>T on the plus strand (G>A on the coding strand, the complement: PYGL is on the minus strand). VCF-style: chr14-50916662-C-T. GRCh37 (hg19) VCF-style: chr14-51383380-C-T.
Other names: c.970G>A, p.Glu324Lys (NM_001163940.2); short protein forms E324K, E358K.
Identifiers: ClinVar variation 3766719 (VCV003766719.1).

ClinVar aggregate classification (germline): Uncertain significance (1 of 4 stars; one submission).

Conditions:
Glycogen storage disease, type VI (GSD6). Also called: Glycogen storage disease type 6; Hepatic glycogen phosphorylase deficiency; GSD VI; Glycogen storage disease type 6, due to phosphorylation; HERS DISEASE; PHOSPHORYLASE DEFICIENCY GLYCOGEN-STORAGE DISEASE OF LIVER. Identifiers: Orphanet 369, MedGen C0017925, MONDO:0009294, OMIM 232700.

Submission:

ARUP Laboratories, Molecular Genetics and Genomics, ARUP Laboratories
Classification: Uncertain significance for Glycogen storage disease, type VI. Last evaluated: 2024-07-12. Review status: criteria provided, single submitter. Criteria: ARUP Molecular Germline Variant Investigation Process 2024. Collection method: clinical testing. Allele origin: germline.
Comment: The PYGL c.1072G>A; p.Glu358Lys variant, to our knowledge, is not reported in the medical literature or gene specific databases. This variant is also absent from the Genome Aggregation Database (v2.1.1), indicating it is not a common polymorphism. Computational analyses predict that this variant is deleterious (REVEL: 0.861). Due to limited information, the clinical significance of this variant is uncertain at this time.